The following is an entry in ClinVar:

NM_006121.4(KRT1):c.284G>T (p.Gly95Val)

Gene: KRT1 (keratin 1; minus strand). Cytogenetic location: 12q13.13.
Variant type: single nucleotide variant.
Coding change: c.284G>T on transcript NM_006121.4 (MANE Select); coding-DNA position 284, G replaced by T.
Protein change: p.Gly95Val; replaces glycine 95 with valine.
Molecular consequence: missense variant.
Genome position (GRCh38, 1-based): chr12:52,680,065, C>A on the plus strand (G>T on the coding strand, the complement: KRT1 is on the minus strand). VCF-style: chr12-52680065-C-A. GRCh37 (hg19) VCF-style: chr12-53073849-C-A.
Other names: short protein forms G95V.
Identifiers: ClinVar variation 1386004 (VCV001386004.8), dbSNP rs754553875, ClinGen allele CA384976324.
Genomic context (GRCh38, chr12:52,680,065, plus strand): 5'-CCAATGCCACCTCCACCAAAGCCACCACCACCAAAGCCACCACCACCAAAGCCACCACCA[C>A]CATAACCACCACCAAAGCCACTACCACGTCCACCTCCTCTAGCCACACTTATGGAGATGC-3'
Protein context (NP_006112.3, residues 85-105): GRGSGFGGGY[Gly95Val]GGGFGGGGFG

ClinVar aggregate classification (germline): Uncertain significance (1 of 4 stars; one submission).

gnomAD v4.1: 11 of 1,554,956 alleles (0.00071%); highest among the groups gnomAD compares: Non-Finnish European, 0.00087%; no homozygotes.

Submission:

Labcorp Genetics (formerly Invitae), Labcorp
Classification: Uncertain significance. Last evaluated: 2023-07-12. Review status: criteria provided, single submitter. Criteria: Invitae Variant Classification Sherloc (09022015). Collection method: clinical testing. Allele origin: germline.
Comment: In summary, the available evidence is currently insufficient to determine the role of this variant in disease. Therefore, it has been classified as a Variant of Uncertain Significance. Advanced modeling of protein sequence and biophysical properties (such as structural, functional, and spatial information, amino acid conservation, physicochemical variation, residue mobility, and thermodynamic stability) performed at Invitae indicates that this missense variant is not expected to disrupt KRT1 protein function. ClinVar contains an entry for this variant (Variation ID: 1386004). This variant has not been reported in the literature in individuals affected with KRT1-related conditions. This variant is not present in population databases (gnomAD no frequency). This sequence change replaces glycine, which is neutral and non-polar, with valine, which is neutral and non-polar, at codon 95 of the KRT1 protein (p.Gly95Val).